The following is an entry in ClinVar:

ClinVar aggregate classification (germline): Uncertain significance (1 of 4 stars; one submission).

Submission:

CeGaT Center for Human Genetics Tuebingen
Classification: Uncertain significance. Last evaluated: 2023-03-01. Review status: criteria provided, single submitter. Criteria: CeGaT Center For Human Genetics Tuebingen Variant Classification Criteria Version 2. Collection method: clinical testing. Allele origin: germline. Affected: yes. Observed: 1 variant allele.
Comment: SOX5: PM2, BP4

NM_006940.6(SOX5):c.481+5A>G

Gene: SOX5 (SRY-box transcription factor 5; minus strand). Cytogenetic location: 12p12.1.
Variant type: single nucleotide variant.
Coding change: c.481+5A>G on transcript NM_006940.6 (MANE Select); 5 bases into the intron after coding-DNA position 481, A replaced by G.
Molecular consequence: intron variant.
Genome position (GRCh38, 1-based): chr12:23,845,978, T>C on the plus strand (A>G on the coding strand, the complement: SOX5 is on the minus strand). VCF-style: chr12-23845978-T-C. GRCh37 (hg19) VCF-style: chr12-23998912-T-C.
Other names: c.442+5A>G (NM_152989.5, NM_001261414.3); c.451+5A>G (NM_001261415.3); c.376+5A>G (NM_001330785.2).
Identifiers: ClinVar variation 2642787 (VCV002642787.24), dbSNP rs2503273595, ClinGen allele CA2695199058.
Genomic context (GRCh38, chr12:23,845,978, plus strand): 5'-AAATTAAAATCAAAGTATTAAAATCAGGACACAGCATCAACTTTGTTTTCTCTTCCAGCC[T>C]TTACCTTCCGGCTCGTTTTTGATGAGCTCTTCCATTTTCCTCTGCTTCAAGGTGTCAACA-3'